The following is an entry in ClinVar:

NM_000782.5(CYP24A1):c.1324C>T (p.Gln442Ter)

Gene: CYP24A1 (cytochrome P450 family 24 subfamily A member 1; minus strand). Cytogenetic location: 20q13.2.
Variant type: single nucleotide variant.
Coding change: c.1324C>T on transcript NM_000782.5 (MANE Select); coding-DNA position 1324, C replaced by T.
Protein change: p.Gln442Ter; replaces glutamine 442 with a stop codon.
Molecular consequence: nonsense. On other transcripts: intron variant (3).
Genome position (GRCh38, 1-based): chr20:54,157,498, G>A on the plus strand (C>T on the coding strand, the complement: CYP24A1 is on the minus strand). VCF-style: chr20-54157498-G-A. GRCh37 (hg19) VCF-style: chr20-52774037-G-A.
Other names: c.1324C>T, p.Gln442Ter (NM_001424340.1, NM_001424341.1); c.1237-209C>T (NM_001128915.2, NM_001424343.1, NM_001424342.1); short protein forms Q442*.
Identifiers: ClinVar variation 3587427 (VCV003587427.2).

ClinVar aggregate classification (germline): Pathogenic/Likely pathogenic. Review status: criteria provided, multiple submitters, no conflicts (2 of 4 stars). 2 submissions from 2 submitters: Pathogenic (1); Likely pathogenic (1). Last evaluated 2025-10-29.

Conditions:
Hypercalcemia, infantile, 1 (HCINF1). Identifiers: Orphanet 300547, MedGen CN031131, MONDO:0020739, OMIM 143880.

gnomAD v4.1: 22 of 1,599,478 alleles (0.0014%); highest among the groups gnomAD compares: East Asian, 0.047%; no homozygotes.

Submissions (2):

3billion
Classification: Pathogenic for Hypercalcemia, infantile, 1. Last evaluated: 2025-10-29. Review status: criteria provided, single submitter. Criteria: ACMG Guidelines, 2015. Collection method: clinical testing. Allele origin: germline. Affected: yes.
Comment: The variant is observed at an extremely low frequency in the gnomAD v4.1.0 dataset (total allele frequency: 0.001%). Predicted Consequence/Location: Stop-gained (nonsense): predicted to result in a loss or disruption of normal protein function through nonsense-mediated decay (NMD) or protein truncation. Multiple pathogenic variants are reported downstream of the variant. In silico tool prediction suggests damaging effect of the variant on gene or gene product [3Cnet: 1.00 (damaging >0.75, benign <0.1)]. The variant has been reported to be associated with CYP24A1-related disorder (ClinVar ID: VCV003587427 /PMID: 39777136). Therefore, this variant is classified as Pathogenic according to the recommendation of ACMG/AMP guideline.

Fulgent Genetics
Classification: Likely pathogenic for Hypercalcemia, infantile, 1. Last evaluated: 2024-02-07. Review status: criteria provided, single submitter. Criteria: ACMG Guidelines, 2015. Collection method: clinical testing. Allele origin: germline.

Literature cited by the submitters: PubMed 39777136 (cited by 3billion).